The following is an entry in ClinVar:

NM_012123.4(MTO1):c.417+2T>C

Gene: MTO1 (mitochondrial tRNA translation optimization 1; plus strand). Cytogenetic location: 6q13.
Variant type: single nucleotide variant.
Coding change: c.417+2T>C on transcript NM_012123.4 (MANE Select); the canonical splice donor site of the intron after coding-DNA position 417, T replaced by C.
Molecular consequence: splice donor variant.
Genome position (GRCh38, 1-based): chr6:73,466,410, T>C. VCF-style: chr6-73466410-T-C. GRCh37 (hg19) VCF-style: chr6-74176133-T-C.
Other names: c.417+2T>C (NM_133645.3, NM_001123226.2).
Identifiers: ClinVar variation 834420 (VCV000834420.9), dbSNP rs1030161382, ClinGen allele CA140952186.

ClinVar aggregate classification (germline): Likely pathogenic. Review status: criteria provided, multiple submitters, no conflicts (2 of 4 stars). 2 submissions from 2 submitters: Likely pathogenic (2). Last evaluated 2025-12-06.

Conditions:
MTO1-related disorder. Also called: MTO1-related condition.
Mitochondrial hypertrophic cardiomyopathy with lactic acidosis due to MTO1 deficiency. Also called: CARDIOMYOPATHY, INFANTILE HYPERTROPHIC MITOCHONDRIAL, AND LACTIC ACIDOSIS; Combined oxidative phosphorylation deficiency 10. Identifiers: Orphanet 314637, MedGen C4749921, MONDO:0013865, OMIM 614702.

Allele frequency attached by ClinVar (database versions not stated): gnomAD 0.00001; gnomAD exomes 0.00001; TOPMed 0.00002.
gnomAD v4.1: 22 of 1,613,860 alleles (0.0014%); highest among the groups gnomAD compares: Non-Finnish European, 0.0018%; no homozygotes.

Submissions (2):

Labcorp Genetics (formerly Invitae), Labcorp
Classification: Likely pathogenic for Mitochondrial hypertrophic cardiomyopathy with lactic acidosis due to MTO1 deficiency. Last evaluated: 2025-12-06. Review status: criteria provided, single submitter. Criteria: Invitae Variant Classification Sherloc (09022015). Collection method: clinical testing. Allele origin: germline.
Comment: This sequence change affects a donor splice site in intron 2 of the MTO1 gene. It is expected to disrupt RNA splicing. Variants that disrupt the donor or acceptor splice site typically lead to a loss of protein function (PMID: 16199547), and loss-of-function variants in MTO1 are known to be pathogenic (PMID: 22608499, 25058219). This variant is not present in population databases (gnomAD no frequency). This variant has not been reported in the literature in individuals affected with MTO1-related conditions. ClinVar contains an entry for this variant (Variation ID: 834420). Algorithms developed to predict the effect of sequence changes on RNA splicing suggest that this variant may disrupt the consensus splice site. In summary, the currently available evidence indicates that the variant is pathogenic, but additional data are needed to prove that conclusively. Therefore, this variant has been classified as Likely Pathogenic.

Blueprint Genetics
Classification: Likely pathogenic for MTO1-related disorders. Last evaluated: 2024-05-22. Review status: criteria provided, single submitter. Criteria: ACMG Guidelines, 2015. Collection method: clinical testing. Allele origin: germline. Affected: yes. Observed: 1 variant allele.

Literature cited by the submitters: PubMed 16199547 (cited by Labcorp Genetics (formerly Invitae), Labcorp); PubMed 22608499 (cited by Labcorp Genetics (formerly Invitae), Labcorp); PubMed 25058219 (cited by Labcorp Genetics (formerly Invitae), Labcorp).